The following is an entry in ClinVar:

ClinVar aggregate classification (germline): Uncertain significance. Review status: criteria provided, multiple submitters, no conflicts (2 of 4 stars). 3 submissions from 3 submitters: Uncertain significance (3). Last evaluated 2026-07-28.

Conditions:
TTN-related disorder. Also called: TTN-related disorders; TTN-related condition; TTN-related disease.

gnomAD v4.1: 6 of 1,613,564 alleles (0.00037%); highest among the groups gnomAD compares: African/African-American, 0.008%; no homozygotes.

Submissions (3):

PreventionGenetics, part of Exact Sciences
Classification: Uncertain significance for TTN-related condition. Last evaluated: 2026-07-28. Review status: criteria provided, single submitter. Criteria: ACMG Guidelines, 2015. Collection method: clinical testing. Allele origin: germline.
Comment: The TTN c.99664G>A variant is predicted to result in the amino acid substitution p.Gly33222Ser. To our knowledge, this variant has not been reported in the literature. This variant is reported in 0.011% of alleles in individuals of African descent in gnomAD. At this time, the clinical significance of this variant is uncertain due to the absence of conclusive functional and genetic evidence.

Women's Health and Genetics/Laboratory Corporation of America, LabCorp
Classification: Uncertain significance. Last evaluated: 2025-12-19. Review status: criteria provided, single submitter. Criteria: LabCorp Variant Classification Summary - May 2015. Collection method: clinical testing. Allele origin: germline.
Comment: Variant summary: TTN c.91960G>A (p.Gly30654Ser) results in a non-conservative amino acid change in the encoded protein sequence. Algorithms developed to predict the effect of missense changes on protein structure and function all suggest that this variant is likely to be disruptive. The variant was absent in 248762 control chromosomes. The available data on variant occurrences in the general population are insufficient to allow any conclusion about variant significance. To our knowledge, no occurrence of c.91960G>A in individuals affected with TTN-related conditions and no experimental evidence demonstrating its impact on protein function have been reported. ClinVar contains an entry for this variant (Variation ID: 4282414). Based on the evidence outlined above, the variant was classified as uncertain significance.

GeneDx
Classification: Uncertain significance. Last evaluated: 2025-04-16. Review status: criteria provided, single submitter. Criteria: GeneDx Variant Classification Process June 2021. Collection method: clinical testing. Allele origin: germline. Affected: yes.
Comment: Not observed at significant frequency in large population cohorts (gnomAD); Missense variant in a gene in which most reported pathogenic variants are truncating/loss of function; Has not been previously published as pathogenic or benign to our knowledge

NM_001267550.2(TTN):c.99664G>A (p.Gly33222Ser)

Genes: TTN (titin; minus strand), TTN-AS1 (TTN antisense RNA 1; plus strand), LOC126806420 (BRD4-independent group 4 enhancer GRCh37_chr2:179401104-179402303; plus strand). Cytogenetic location: 2q31.2.
Variant type: single nucleotide variant.
Coding change: c.99664G>A on transcript NM_001267550.2 (MANE Select); coding-DNA position 99664, G replaced by A.
Protein change: p.Gly33222Ser; replaces glycine 33222 with serine.
Molecular consequence: missense variant. On other transcripts: non-coding transcript variant (1).
Genome position (GRCh38, 1-based): chr2:178,537,543, C>T on the plus strand (G>A on the coding strand, the complement: TTN is on the minus strand). VCF-style: chr2-178537543-C-T. GRCh37 (hg19) VCF-style: chr2-179402270-C-T.
Other names: c.72469G>A, p.Gly24157Ser (NM_003319.4); c.91960G>A, p.Gly30654Ser (NM_133378.4); c.72844G>A, p.Gly24282Ser (NM_133432.3); c.73045G>A, p.Gly24349Ser (NM_133437.4); c.94741G>A, p.Gly31581Ser (NM_001256850.1); short protein forms G24157S, G24282S, G24349S, G30654S, G31581S, G33222S.
Identifiers: ClinVar variation 4282414 (VCV004282414.3).